The following is an entry in ClinVar:

ClinVar aggregate classification (germline): Benign. Review status: criteria provided, multiple submitters, no conflicts (2 of 4 stars). 3 submissions from 3 submitters: Benign (2). 1 of the submissions does not count toward it. Last evaluated 2026-02-02.

Conditions:
FGFRL1-related disorder. Also called: FGFRL1-related condition.

Allele frequency attached by ClinVar (database versions not stated): ESP Exome Variant Server 0.03300; gnomAD 0.03313 and 0.03385; TOPMed 0.03335; 1000 Genomes Project 30x 0.03560; ExAC 0.03839; 1000 Genomes Project 0.03854; gnomAD exomes 0.03895 and 0.03986.
gnomAD v4.1: 63,596 of 1,612,472 alleles (3.9%); highest among the groups gnomAD compares: East Asian, 11%; 1,546 homozygotes.

Submissions (3):

Labcorp Genetics (formerly Invitae), Labcorp
Classification: Benign. Last evaluated: 2026-02-02. Review status: criteria provided, single submitter. Criteria: Invitae Variant Classification Sherloc (09022015). Collection method: clinical testing. Allele origin: germline.

Breakthrough Genomics
Classification: Benign. Review status: criteria provided, single submitter. Criteria: ACMG Guidelines, 2015. Collection method: not provided. Allele origin: germline. Inheritance: Unknown mechanism. Affected: yes.

PreventionGenetics, part of Exact Sciences
Classification: Benign for FGFRL1-related condition. Last evaluated: 2019-02-23. Review status: no assertion criteria provided. Collection method: clinical testing. Allele origin: germline. Not counted in ClinVar's aggregate classification.
Comment: This variant is classified as benign based on ACMG/AMP sequence variant interpretation guidelines (Richards et al. 2015 PMID: 25741868, with internal and published modifications).

NM_001004356.3(FGFRL1):c.891T>C (p.Asp297=)

Gene: FGFRL1 (fibroblast growth factor receptor like 1; plus strand). Cytogenetic location: 4p16.3.
Variant type: single nucleotide variant.
Coding change: c.891T>C on transcript NM_001004356.3 (MANE Select); coding-DNA position 891, T replaced by C.
Protein change: p.Asp297=; no amino-acid change (aspartic acid 297 retained).
Molecular consequence: synonymous variant.
Genome position (GRCh38, 1-based): chr4:1,024,483, T>C. VCF-style: chr4-1024483-T-C. GRCh37 (hg19) VCF-style: chr4-1018271-T-C.
Other names: c.891T>C, p.Asp297= (NM_001004358.1, NM_001370296.1, NM_021923.3); c.891T>C (NM_001004356.2).
Identifiers: ClinVar variation 1170810 (VCV001170810.10), dbSNP rs4647946, ClinGen allele CA2802903.